The following is an entry in ClinVar:

ClinVar aggregate classification (germline): Uncertain significance (1 of 4 stars; one submission).

Allele frequency attached by ClinVar (database versions not stated): TOPMed 0.00001; ESP Exome Variant Server 0.00008; gnomAD 0.00010; ExAC 0.00028; 1000 Genomes Project 30x 0.00125; 1000 Genomes Project 0.00160.
gnomAD v4.1: 156 of 1,613,948 alleles (0.0097%); highest among the groups gnomAD compares: South Asian, 0.15%; 2 homozygotes.

Submission:

Labcorp Genetics (formerly Invitae), Labcorp
Classification: Uncertain significance. Last evaluated: 2022-09-01. Review status: criteria provided, single submitter. Criteria: Invitae Variant Classification Sherloc (09022015). Collection method: clinical testing. Allele origin: germline.
Comment: In summary, the available evidence is currently insufficient to determine the role of this variant in disease. Therefore, it has been classified as a Variant of Uncertain Significance. Algorithms developed to predict the effect of missense changes on protein structure and function (SIFT, PolyPhen-2, Align-GVGD) all suggest that this variant is likely to be tolerated. This variant has not been reported in the literature in individuals affected with ESR2-related conditions. This variant is present in population databases (rs145711407, gnomAD 0.2%), and has an allele count higher than expected for a pathogenic variant. This sequence change replaces arginine, which is basic and polar, with glycine, which is neutral and non-polar, at codon 132 of the ESR2 protein (p.Arg132Gly).

NM_001437.3(ESR2):c.394C>G (p.Arg132Gly)

Gene: ESR2 (estrogen receptor 2; minus strand). Cytogenetic location: 14q23.2.
Variant type: single nucleotide variant.
Coding change: c.394C>G on transcript NM_001437.3 (MANE Select); coding-DNA position 394, C replaced by G.
Protein change: p.Arg132Gly; replaces arginine 132 with glycine.
Molecular consequence: missense variant. On other transcripts: non-coding transcript variant (1).
Genome position (GRCh38, 1-based): chr14:64,280,122, G>C on the plus strand (C>G on the coding strand, the complement: ESR2 is on the minus strand). VCF-style: chr14-64280122-G-C. GRCh37 (hg19) VCF-style: chr14-64746840-G-C.
Other names: c.394C>G, p.Arg132Gly (NM_001040275.1, NM_001214902.1, NM_001271876.1 and 3 more transcripts); short protein forms R132G.
Identifiers: ClinVar variation 2176631 (VCV002176631.4), dbSNP rs145711407, ClinGen allele CA7225601.
Genomic context (GRCh38, chr14:64,280,122, plus strand): 5'-AGACAGCGCAGAAGTGAGCATCCCTCTTTGAACCTGGACCAGTAACAGGGCTGGCGCAAC[G>C]GTTCCCACTAACCTTCCTTTTCAGTGTCTCTCTAGGGAGCAAAGAAAATATCCATTGAAC-3'
Protein context (NP_001428.1, residues 122-142): ETLKRKVSGN[Arg132Gly]CASPVTGPGS